The following is an entry in ClinVar:

ClinVar aggregate classification (germline): Likely benign (1 of 4 stars; one submission).

gnomAD v4.1: 7,630 of 1,554,272 alleles (0.49%); highest among the groups gnomAD compares: Non-Finnish European, 0.57%; 29 homozygotes.

Submission:

CeGaT Center for Human Genetics Tuebingen
Classification: Likely benign. Last evaluated: 2024-09-01. Review status: criteria provided, single submitter. Criteria: CeGaT Center For Human Genetics Tuebingen Variant Classification Criteria Version 2. Collection method: clinical testing. Allele origin: germline. Affected: yes. Observed: 1 variant allele.
Comment: CYP2W1: BS2

NM_017781.3(CYP2W1):c.547C>G (p.Leu183Val)

Genes: CHLSN (cholesin; minus strand), CYP2W1 (cytochrome P450 family 2 subfamily W member 1; plus strand). Cytogenetic location: 7p22.3.
Variant type: single nucleotide variant.
Coding change: c.547C>G on transcript NM_017781.3 (MANE Select); coding-DNA position 547, C replaced by G.
Protein change: p.Leu183Val; replaces leucine 183 with valine.
Molecular consequence: missense variant. On other transcripts: non-coding transcript variant (1), intron variant (3).
Genome position (GRCh38, 1-based): chr7:985,225, C>G. VCF-style: chr7-985225-C-G. GRCh37 (hg19) VCF-style: chr7-1024861-C-G.
Other names: c.565-6164G>C (NM_001424326.1, NM_001424325.1); c.178-5172G>C (NM_001424327.1); short protein forms L183V.
Identifiers: ClinVar variation 3388089 (VCV003388089.14).